The following is an entry in ClinVar:

NM_001211.6(BUB1B):c.1630C>T (p.Pro544Ser)

Gene: BUB1B (BUB1 mitotic checkpoint serine/threonine kinase B; plus strand). Cytogenetic location: 15q15.1.
Variant type: single nucleotide variant.
Coding change: c.1630C>T on transcript NM_001211.6 (MANE Select); coding-DNA position 1630, C replaced by T.
Protein change: p.Pro544Ser; replaces proline 544 with serine.
Molecular consequence: missense variant.
Genome position (GRCh38, 1-based): chr15:40,202,590, C>T. VCF-style: chr15-40202590-C-T. GRCh37 (hg19) VCF-style: chr15-40494791-C-T.
Other names: short protein forms P544S.
Identifiers: ClinVar variation 238662 (VCV000238662.15), dbSNP rs138332995, ClinGen allele CA7475854.
Genomic context (GRCh38, chr15:40,202,590, plus strand): 5'-GATAAATTAGGGGTTACTGTTATGAAAAAAATTGCTAAGTGAGGTATGTCTTTTTCCAGT[C>T]CTCCTGCAGATCCCCCACGAGTTTTAGCTCAACGAAGACCCCTTGCAGTTCTCAAAACCT-3'
Protein context (NP_001202.5, residues 534-554): FLLSEKKNKS[Pro544Ser]PADPPRVLAQ

ClinVar aggregate classification (germline): Uncertain significance. Review status: criteria provided, multiple submitters, no conflicts (2 of 4 stars). 5 submissions from 5 submitters: Uncertain significance (4). 1 of the submissions does not count toward it. Last evaluated 2026-01-06.

Conditions:
Mosaic variegated aneuploidy syndrome 1 (MVA1). Also called: Warburton-Anyane-Yeboa syndrome. Identifiers: Orphanet 1052, MedGen C1850343, MONDO:0009759, OMIM 257300.
Inborn genetic diseases. Identifiers: MedGen C0950123, MeSH D030342.
Premature chromatid separation trait (PCS). Also called: TOTAL PREMATURE CHROMATID SEPARATION TRAIT. Identifiers: MedGen C1864389, MONDO:0008304, OMIM 176430.
Carcinoma of colon (CRC). Also called: Colon carcinoma; Colonic carcinoma. Identifiers: MedGen C0699790, MONDO:0002032.

Allele frequency attached by ClinVar (database versions not stated): gnomAD 0.00011; ESP Exome Variant Server 0.00015; TOPMed 0.00010.
gnomAD v4.1: 328 of 1,613,616 alleles (0.02%); highest among the groups gnomAD compares: Non-Finnish European, 0.027%; no homozygotes.

Submissions (5):

Labcorp Genetics (formerly Invitae), Labcorp
Classification: Uncertain significance for Mosaic variegated aneuploidy syndrome 1. Last evaluated: 2026-01-06. Review status: criteria provided, single submitter. Criteria: Invitae Variant Classification Sherloc (09022015). Collection method: clinical testing. Allele origin: germline.
Comment: This sequence change replaces proline, which is neutral and non-polar, with serine, which is neutral and polar, at codon 544 of the BUB1B protein (p.Pro544Ser). This variant is present in population databases (rs138332995, gnomAD 0.02%). This variant has not been reported in the literature in individuals affected with BUB1B-related conditions. ClinVar contains an entry for this variant (Variation ID: 238662). An algorithm developed to predict the effect of missense changes on protein structure and function outputs the following: PolyPhen-2: "Benign". The serine amino acid residue is found in multiple mammalian species, which suggests that this missense change does not adversely affect protein function. In summary, the available evidence is currently insufficient to determine the role of this variant in disease. Therefore, it has been classified as a Variant of Uncertain Significance.

Ambry Genetics
Classification: Uncertain significance for Inborn genetic diseases. Last evaluated: 2022-11-20. Review status: criteria provided, single submitter. Criteria: Ambry Variant Classification Scheme 2023. Collection method: clinical testing. Allele origin: germline.
Comment: The p.P544S variant (also known as c.1630C>T), located in coding exon 14 of the BUB1B gene, results from a C to T substitution at nucleotide position 1630. The proline at codon 544 is replaced by serine, an amino acid with similar properties. This amino acid position is conserved. In addition, this alteration is predicted to be tolerated by in silico analysis. Since supporting evidence is limited at this time, the clinical significance of this alteration remains unclear.

Victorian Clinical Genetics Services, Murdoch Childrens Research Institute
Classification: Uncertain significance for Mosaic variegated aneuploidy syndrome 1. Last evaluated: 2022-09-02. Review status: criteria provided, single submitter. Criteria: ACMG Guidelines, 2015. Collection method: clinical testing. Allele origin: germline. Inheritance: Autosomal recessive inheritance. Affected: yes.
Comment: Based on the classification scheme VCGS_Germline_v1.3.4, this variant is classified as VUS-3C. Following criteria are met: 0102 - Loss of function is a known mechanism of disease in this gene and is associated with mosaic variegated aneuploidy syndrome 1 (MIM#257300). (I) 0106 - This gene is associated with autosomal recessive disease. (I) 0200 - Variant is predicted to result in a missense amino acid change from proline to serine. (I) 0251 - This variant is heterozygous. (I) 0304 - Variant is present in gnomAD (v2) <0.01 for a recessive condition (22 heterozygotes, 0 homozygotes). (SP) 0309 - An alternative amino acid change at the same position has been observed in gnomAD (v2) (1 heterozygote, 0 homozygotes). (I) 0503 - Missense variant consistently predicted to be tolerated by multiple in silico tools or not conserved in placental mammals with a minor amino acid change. (SB) 0604 - Variant is not located in an established domain, motif, hotspot or informative constraint region. (I) 0705 - No comparable missense variants have previous evidence for pathogenicity. (I) 0808 - Previous reports of pathogenicity for this variant are conflicting. This variant as been reported as likely benign (LOVD) and as a VUS (ClinVar). (I) 0905 - No published segregation evidence has been identified for this variant. (I) 1007 - No published functional evidence has been identified for this variant. (I) 1208 - Inheritance information for this variant is not currently available in this individual. (I) Legend: (SP) - Supporting pathogenic, (I) - Information, (SB) - Supporting benign

Fulgent Genetics
Classification: Uncertain significance for Colorectal cancer; Premature chromatid separation trait; Mosaic variegated aneuploidy syndrome 1. Last evaluated: 2018-10-31. Review status: criteria provided, single submitter. Criteria: ACMG Guidelines, 2015. Collection method: clinical testing. Allele origin: unknown.

Department of Pathology and Laboratory Medicine, Sinai Health System
Classification: Uncertain significance. Review status: no assertion criteria provided. Collection method: clinical testing. Allele origin: unknown. Affected: yes. Study: The Canadian Open Genetics Repository (COGR). Not counted in ClinVar's aggregate classification.
Comment: The BUB1B p.Pro544Ser variant was not identified in the literature but was identified in dbSNP (ID: rs138332995) and ClinVar (classified as uncertain significance by Invitae and Fulgent Genetics). The variant was identified in control databases in 20 of 268202 chromosomes at a frequency of 0.00007457 (Genome Aggregation Database March 6, 2019, v2.1.1, non-cancer). The variant was observed in the following populations: European (non-Finnish) in 19 of 118100 chromosomes (freq: 0.000161) and African in 1 of 23590 chromosomes (freq: 0.000042), but was not observed in the Latino, Ashkenazi Jewish, East Asian, European (Finnish), Other, or South Asian populations. The p.Pro544 residue is conserved in mammals and computational analyses (PolyPhen-2, SIFT, AlignGVGD, BLOSUM, MutationTaster) do not suggest a high likelihood of impact to the protein; however this information is not predictive enough to rule out pathogenicity. The variant occurs outside of the splicing consensus sequence and in silico or computational prediction software programs (SpliceSiteFinder, MaxEntScan, NNSPLICE, GeneSplicer) do not predict a difference in splicing. In summary, based on the above information the clinical significance of this variant cannot be determined with certainty at this time. This variant is classified as a variant of uncertain significance.